The following is an entry in ClinVar:

ClinVar aggregate classification (germline): Likely benign (0 of 4 stars; one submission).

Conditions:
UTP4-related disorder. Also called: UTP4-related condition.

gnomAD v4.1: 33 of 1,613,840 alleles (0.002%); highest among the groups gnomAD compares: Non-Finnish European, 0.0022%; no homozygotes.

Submission:

PreventionGenetics, part of Exact Sciences
Classification: Likely benign for UTP4-related condition. Last evaluated: 2024-09-25. Review status: no assertion criteria provided. Collection method: clinical testing. Allele origin: germline.
Comment: This variant is classified as likely benign based on ACMG/AMP sequence variant interpretation guidelines (Richards et al. 2015 PMID: 25741868, with internal and published modifications).

NM_032830.3(UTP4):c.975C>T (p.Ala325=)

Gene: UTP4 (UTP4 small subunit processome component). Cytogenetic location: 16q22.1.
Variant type: single nucleotide variant.
Coding change: c.975C>T on transcript NM_032830.3 (MANE Select); coding-DNA position 975, C replaced by T.
Protein change: p.Ala325=; no amino-acid change (alanine 325 retained).
Molecular consequence: synonymous variant.
Genome position (GRCh38, 1-based): chr16:69,150,877, C>T. VCF-style: chr16-69150877-C-T. GRCh37 (hg19) VCF-style: chr16-69184780-C-T.
Other names: c.726C>T, p.Ala242= (NM_001318391.2).
Identifiers: ClinVar variation 3351165 (VCV003351165.1).